The following is an entry in ClinVar:

NM_007118.4(TRIO):c.3766-2A>C

Gene: TRIO (trio Rho guanine nucleotide exchange factor; plus strand). Cytogenetic location: 5p15.2.
Variant type: single nucleotide variant.
Coding change: c.3766-2A>C on transcript NM_007118.4 (MANE Select); the canonical splice acceptor site of the intron before coding-DNA position 3766, A replaced by C.
Molecular consequence: splice acceptor variant.
Genome position (GRCh38, 1-based): chr5:14,387,730, A>C. VCF-style: chr5-14387730-A-C. GRCh37 (hg19) VCF-style: chr5-14387839-A-C.
Identifiers: ClinVar variation 3382523 (VCV003382523.2).

ClinVar aggregate classification (germline): Likely pathogenic (1 of 4 stars; one submission).

Conditions:
Intellectual developmental disorder, autosomal dominant 44, with microcephaly. Also called: TRIO-Related Intellectual Disability; Micrognathia-recurrent infections-behavioral abnormalities-mild intellectual disability syndrome. Identifiers: Orphanet 476126, MedGen C4310740, MONDO:0014892, OMIM 617061.
Intellectual developmental disorder, autosomal dominant 63, with macrocephaly. Also called: MENTAL RETARDATION, AUTOSOMAL DOMINANT 63, WITH MACROCEPHALY. Identifiers: MedGen C5394205, MONDO:0032939, OMIM 618825.

Submission:

Juno Genomics, Hangzhou Juno Genomics, Inc
Classification: Likely pathogenic for Intellectual developmental disorder, autosomal dominant 44, with microcephaly; Intellectual developmental disorder, autosomal dominant 63, with macrocephaly. Review status: criteria provided, single submitter. Criteria: ACMG Guidelines, 2015. Collection method: clinical testing. Allele origin: germline. Affected: yes.
Comment: Absent from controls (or at extremely low frequency if recessive) in Genome Aggregation Database, Exome Sequencing Project, 1000 Genomes Project, or Exome Aggregation Consortium.;Null variant in a gene where loss of function (LOF) is a known mechanism of disease.